The following is an entry in ClinVar:

ClinVar aggregate classification (germline): Likely benign (1 of 4 stars; one submission).

Conditions:
Catecholaminergic polymorphic ventricular tachycardia (CVPT). Also called: Catecholamine-induced polymorphic ventricular tachycardia. Identifiers: Orphanet 3286, MedGen C5574922, MONDO:0017990.

Submission:

All of Us Research Program, National Institutes of Health
Classification: Likely benign for Catecholaminergic polymorphic ventricular tachycardia. Last evaluated: 2024-08-13. Review status: criteria provided, single submitter. Criteria: ACMG Guidelines, 2015. Collection method: clinical testing. Allele origin: germline. Inheritance: Autosomal dominant inheritance. Observed: 1 variant allele, 1 heterozygote.
Comment: This study involves interpretation of variants in research participants for the purpose of population health screening. Participant phenotype was not available at the time of variant classification. Additional details can be found in publication PMID: 35346344, PMCID: PMC8962531

NM_001035.3(RYR2):c.6204A>G (p.Arg2068=)

Gene: RYR2 (ryanodine receptor 2; plus strand). Cytogenetic location: 1q43.
Variant type: single nucleotide variant.
Coding change: c.6204A>G on transcript NM_001035.3 (MANE Select); coding-DNA position 6204, A replaced by G.
Protein change: p.Arg2068=; no amino-acid change (arginine 2068 retained).
Molecular consequence: synonymous variant.
Genome position (GRCh38, 1-based): chr1:237,627,844, A>G. VCF-style: chr1-237627844-A-G. GRCh37 (hg19) VCF-style: chr1-237791144-A-G.
Identifiers: ClinVar variation 3385760 (VCV003385760.1).
Genomic context (GRCh38, chr1:237,627,844, plus strand): 5'-AAATATCCATAATGACTTTGCAGCCACTCTGCAGCAGCTGATTTCTGAGACCATGGTCCG[A>G]TGGGCTCAGGAGTCTGTCATTGAAGACCCCGAGCTGGTGAGGGCCATGTTTGTGTTGCTC-3'
Protein context (NP_001026.2, residues 2058-2078): LQQLISETMV[Arg2068=]WAQESVIEDP